The following is an entry in ClinVar:

ClinVar aggregate classification (germline): Uncertain significance (1 of 4 stars; one submission).

Allele frequency attached by ClinVar (database versions not stated): gnomAD exomes below 0.00001; ExAC 0.00001.
gnomAD v4.1: 2 of 1,613,348 alleles (0.00012%); highest among the groups gnomAD compares: Non-Finnish European, 0.00017%; no homozygotes.

Submission:

Labcorp Genetics (formerly Invitae), Labcorp
Classification: Uncertain significance. Last evaluated: 2022-08-11. Review status: criteria provided, single submitter. Criteria: Invitae Variant Classification Sherloc (09022015). Collection method: clinical testing. Allele origin: germline.
Comment: In summary, the available evidence is currently insufficient to determine the role of this variant in disease. Therefore, it has been classified as a Variant of Uncertain Significance. Algorithms developed to predict the effect of missense changes on protein structure and function output the following: SIFT: "Deleterious"; PolyPhen-2: "Not Available"; Align-GVGD: "Class C0". The histidine amino acid residue is found in multiple mammalian species, which suggests that this missense change does not adversely affect protein function. This variant has not been reported in the literature in individuals affected with PTPN23-related conditions. This variant is present in population databases (rs377452924, gnomAD 0.0009%). This sequence change replaces glutamine, which is neutral and polar, with histidine, which is basic and polar, at codon 649 of the PTPN23 protein (p.Gln649His).

NM_015466.4(PTPN23):c.1947A>T (p.Gln649His)

Gene: PTPN23 (protein tyrosine phosphatase non-receptor type 23; plus strand). Cytogenetic location: 3p21.31.
Variant type: single nucleotide variant.
Coding change: c.1947A>T on transcript NM_015466.4 (MANE Select); coding-DNA position 1947, A replaced by T.
Protein change: p.Gln649His; replaces glutamine 649 with histidine.
Molecular consequence: missense variant.
Genome position (GRCh38, 1-based): chr3:47,409,566, A>T. VCF-style: chr3-47409566-A-T. GRCh37 (hg19) VCF-style: chr3-47451056-A-T.
Other names: c.1569A>T, p.Gln523His (NM_001304482.2); short protein forms Q523H, Q649H.
Identifiers: ClinVar variation 1715716 (VCV001715716.5), dbSNP rs377452924, ClinGen allele CA2365864.